The following is an entry in ClinVar:

ClinVar aggregate classification (germline): Likely pathogenic (1 of 4 stars; one submission).

Conditions:
Lynch syndrome. Identifiers: Orphanet 144, MedGen C4552100, MONDO:0005835. Disease mechanism: loss of function.

Submission:

GeneID Lab - Advanced Molecular Diagnostics
Classification: Likely pathogenic for Lynch syndrome. Last evaluated: 2018-11-20. Review status: criteria provided, single submitter. Criteria: ACMG Guidelines, 2015. Collection method: clinical testing. Allele origin: germline. Affected: no. Observed: 1 variant allele.
Comment: The substitution is predicted to cause abnormal gene splicing, leading to an abnormal protein message, but experimental evidence is still unavailable. This variant it has no frecuency data in the gnomAD exomes database. Variants that affect the same splice site such as c.3801+1delG and c.3801+1_3801+5delGTATG have been observed patients diagnosed with ovarian cancer (PMID: 21388660), and constitutional mismatch repair deficiency syndrome (PMID: 26200421), respectively. Based on these findings and the limited literature regarding this substitution we consider it as a “likely pathogenic variant”.

Literature cited by the submitters: PubMed 21388660; PubMed 26200421.

NM_000179.3(MSH6):c.3801+1_3801+2insGTAT

Gene: MSH6 (mutS homolog 6; plus strand). Cytogenetic location: 2p16.3.
Variant type: Insertion.
Coding change: c.3801+1_3801+2insGTAT on transcript NM_000179.3 (MANE Select); the canonical splice donor site of the intron after coding-DNA position 3801, GTAT inserted.
Molecular consequence: splice donor variant.
Genome position: GRCh38 VCF-style: chr2-47806359-G-GGTAT. GRCh37 (hg19) VCF-style: chr2-48033498-G-GGTAT.
Other names: c.2895+1_2895+2insGTAT (NM_001281493.2, NM_001281494.2); c.3411+1_3411+2insGTAT (NM_001281492.2).
Identifiers: ClinVar variation 1319965 (VCV001319965.2), dbSNP rs2104547230, ClinGen allele CA2573051973.